The following is an entry in ClinVar:

NM_005732.4(RAD50):c.722T>G (p.Val241Gly)

Gene: RAD50 (RAD50 double strand break repair protein; plus strand). Cytogenetic location: 5q31.1.
Variant type: single nucleotide variant.
Coding change: c.722T>G on transcript NM_005732.4 (MANE Select); coding-DNA position 722, T replaced by G.
Protein change: p.Val241Gly; replaces valine 241 with glycine.
Molecular consequence: missense variant.
Genome position (GRCh38, 1-based): chr5:132,580,032, T>G. VCF-style: chr5-132580032-T-G. GRCh37 (hg19) VCF-style: chr5-131915724-T-G.
Other names: short protein forms V241G.
Identifiers: ClinVar variation 1757817 (VCV001757817.6), dbSNP rs1750478280, ClinGen allele CA360937078.
Genomic context (GRCh38, chr5:132,580,032, plus strand): 5'-GTGAGATTCGTGATCAGATTACAAGTAAGGAAGCCCAGTTAACATCTTCAAAGGAAATTG[T>G]CAAATCCTATGAGAATGAACTTGATCCATTGAAGGTAACTTGATTTTATTTTTAATTGAC-3'
Protein context (NP_005723.2, residues 231-251): EAQLTSSKEI[Val241Gly]KSYENELDPL

ClinVar aggregate classification (germline): Uncertain significance. Review status: criteria provided, multiple submitters, no conflicts (2 of 4 stars). 2 submissions from 2 submitters: Uncertain significance (2). Last evaluated 2024-05-04.

Conditions:
Hereditary cancer-predisposing syndrome. Also called: Neoplastic Syndromes, Hereditary; Tumor predisposition; Hereditary Cancer Syndrome; Hereditary neoplastic syndrome. Identifiers: Orphanet 140162, MedGen C0027672, MeSH D009386, MONDO:0015356.

gnomAD v4.1: 1 of 1,613,060 alleles (0.000062%); highest among the groups gnomAD compares: Non-Finnish European, 0.000085%; no homozygotes.

Submissions (2):

Ambry Genetics
Classification: Uncertain significance for Hereditary cancer-predisposing syndrome. Last evaluated: 2024-05-04. Review status: criteria provided, single submitter. Criteria: Ambry Variant Classification Scheme 2023. Collection method: clinical testing. Allele origin: germline.
Comment: The p.V241G variant (also known as c.722T>G), located in coding exon 5 of the RAD50 gene, results from a T to G substitution at nucleotide position 722. The valine at codon 241 is replaced by glycine, an amino acid with dissimilar properties. This amino acid position is well conserved in available vertebrate species. In addition, the in silico prediction for this alteration is inconclusive. Since supporting evidence is limited at this time, the clinical significance of this alteration remains unclear.

Labcorp Genetics (formerly Invitae), Labcorp
Classification: Uncertain significance for Hereditary cancer-predisposing syndrome. Last evaluated: 2023-03-26. Review status: criteria provided, single submitter. Criteria: Invitae Variant Classification Sherloc (09022015). Collection method: clinical testing. Allele origin: germline.
Comment: ClinVar contains an entry for this variant (Variation ID: 1757817). Advanced modeling of protein sequence and biophysical properties (such as structural, functional, and spatial information, amino acid conservation, physicochemical variation, residue mobility, and thermodynamic stability) performed at Invitae indicates that this missense variant is expected to disrupt RAD50 protein function. In summary, the available evidence is currently insufficient to determine the role of this variant in disease. Therefore, it has been classified as a Variant of Uncertain Significance. This variant has not been reported in the literature in individuals affected with RAD50-related conditions. This sequence change replaces valine, which is neutral and non-polar, with glycine, which is neutral and non-polar, at codon 241 of the RAD50 protein (p.Val241Gly). This variant is not present in population databases (gnomAD no frequency).